The following is an entry in ClinVar:

ClinVar aggregate classification (germline): Uncertain significance. Review status: criteria provided, multiple submitters, no conflicts (2 of 4 stars). 2 submissions from 2 submitters: Uncertain significance (2). Last evaluated 2025-02-12.

Conditions:
Inborn genetic diseases. Identifiers: MedGen C0950123, MeSH D030342.

Allele frequency attached by ClinVar (database versions not stated): gnomAD exomes below 0.00001; ExAC 0.00001; gnomAD 0.00001; TOPMed 0.00001; ESP Exome Variant Server 0.00009.
gnomAD v4.1: 4 of 1,209,924 alleles (0.00033%); highest among the groups gnomAD compares: Admixed American, 0.0022%; no homozygotes.

Submissions (2):

Ambry Genetics
Classification: Uncertain significance for Inborn genetic diseases. Last evaluated: 2025-02-12. Review status: criteria provided, single submitter. Criteria: Ambry Variant Classification Scheme 2023. Collection method: clinical testing. Allele origin: germline.

Women's Health and Genetics/Laboratory Corporation of America, LabCorp
Classification: Uncertain significance. Last evaluated: 2023-12-19. Review status: criteria provided, single submitter. Criteria: LabCorp Variant Classification Summary - May 2015. Collection method: clinical testing. Allele origin: germline.
Comment: Variant summary: RLIM c.485G>A (p.Arg162His) results in a non-conservative amino acid change in the encoded protein sequence. Three of five in-silico tools predict a benign effect of the variant on protein function. The variant allele was found at a frequency of 5.5e-06 in 183176 control chromosomes. The available data on variant occurrences in the general population are insufficient to allow any conclusion about variant significance. To our knowledge, no occurrence of c.485G>A in individuals affected with Intellectual Disability, X-Linked 61 and no experimental evidence demonstrating its impact on protein function have been reported. No submitters have cited clinical-significance assessments for this variant to ClinVar after 2014. Based on the evidence outlined above, the variant was classified as uncertain significance.

NM_016120.4(RLIM):c.485G>A (p.Arg162His)

Gene: RLIM (ring finger protein, LIM domain interacting; minus strand). Cytogenetic location: Xq13.2.
Variant type: single nucleotide variant.
Coding change: c.485G>A on transcript NM_016120.4 (MANE Select); coding-DNA position 485, G replaced by A.
Protein change: p.Arg162His; replaces arginine 162 with histidine.
Molecular consequence: missense variant.
Genome position (GRCh38, 1-based): chrX:74,592,830, C>T on the plus strand (G>A on the coding strand, the complement: RLIM is on the minus strand). VCF-style: chrX-74592830-C-T. GRCh37 (hg19) VCF-style: chrX-73812665-C-T.
Other names: c.485G>A, p.Arg162His (NM_183353.3); c.485G>A (NM_183353.2); short protein forms R162H.
Identifiers: ClinVar variation 2691350 (VCV002691350.2), dbSNP rs368915194, ClinGen allele CA10454721.